The following is an entry in ClinVar:

NM_024675.4(PALB2):c.3246T>G (p.Ser1082Arg)

Gene: PALB2 (partner and localizer of BRCA2; minus strand). Cytogenetic location: 16p12.2.
Variant type: single nucleotide variant.
Coding change: c.3246T>G on transcript NM_024675.4 (MANE Select); coding-DNA position 3246, T replaced by G.
Protein change: p.Ser1082Arg; replaces serine 1082 with arginine.
Molecular consequence: missense variant.
Genome position (GRCh38, 1-based): chr16:23,607,968, A>C on the plus strand (T>G on the coding strand, the complement: PALB2 is on the minus strand). VCF-style: chr16-23607968-A-C. GRCh37 (hg19) VCF-style: chr16-23619289-A-C.
Other names: short protein forms S1082R.
Identifiers: ClinVar variation 1360160 (VCV001360160.9), dbSNP rs1064795472, ClinGen allele CA395139857.

ClinVar aggregate classification (germline): Uncertain significance (1 of 4 stars; one submission).

Conditions:
Familial cancer of breast. Also called: Hereditary breast cancer; BREAST CANCER, FAMILIAL; hereditary breast carcinoma. Identifiers: Orphanet 227535, MedGen C0346153, MONDO:0016419, OMIM 114480. Disease mechanism: loss of function.

Submission:

Labcorp Genetics (formerly Invitae), Labcorp
Classification: Uncertain significance for Familial cancer of breast. Last evaluated: 2021-06-10. Review status: criteria provided, single submitter. Criteria: Invitae Variant Classification Sherloc (09022015). Collection method: clinical testing. Allele origin: germline.
Comment: This variant has not been reported in the literature in individuals with PALB2-related conditions. In summary, the available evidence is currently insufficient to determine the role of this variant in disease. Therefore, it has been classified as a Variant of Uncertain Significance. Algorithms developed to predict the effect of missense changes on protein structure and function output the following: SIFT: "Tolerated"; PolyPhen-2: "Benign"; Align-GVGD: "Class C0". The arginine amino acid residue is found in multiple mammalian species, suggesting that this missense change does not adversely affect protein function. These predictions have not been confirmed by published functional studies and their clinical significance is uncertain. This variant is not present in population databases (ExAC no frequency). This sequence change replaces serine with arginine at codon 1082 of the PALB2 protein (p.Ser1082Arg). The serine residue is moderately conserved and there is a moderate physicochemical difference between serine and arginine.